The following is an entry in ClinVar:

NM_000059.4(BRCA2):c.9702G>A (p.Met3234Ile)

Gene: BRCA2 (BRCA2 DNA repair associated; plus strand). Cytogenetic location: 13q13.1.
Variant type: single nucleotide variant.
Coding change: c.9702G>A on transcript NM_000059.4 (MANE Select); coding-DNA position 9702, G replaced by A.
Protein change: p.Met3234Ile; replaces methionine 3234 with isoleucine.
Molecular consequence: missense variant.
Genome position (GRCh38, 1-based): chr13:32,398,215, G>A. VCF-style: chr13-32398215-G-A. GRCh37 (hg19) VCF-style: chr13-32972352-G-A.
Other names: short protein forms M3234I.
Identifiers: ClinVar variation 627854 (VCV000627854.4), dbSNP rs1566260847, ClinGen allele CA387765382.

ClinVar aggregate classification (germline): Uncertain significance (1 of 4 stars; one submission).

Conditions:
Hereditary cancer-predisposing syndrome. Also called: Tumor predisposition; Hereditary Cancer Syndrome; Neoplastic Syndromes, Hereditary; Hereditary neoplastic syndrome. Identifiers: Orphanet 140162, MedGen C0027672, MeSH D009386, MONDO:0015356.

Submission:

Color Diagnostics, LLC DBA Color Health
Classification: Uncertain significance for Hereditary cancer-predisposing syndrome. Last evaluated: 2020-09-09. Review status: criteria provided, single submitter. Criteria: ACMG Guidelines, 2015. Collection method: clinical testing. Allele origin: germline.
Comment: This missense variant replaces methionine with isoleucine at codon 3234 of the BRCA2 protein. Computational prediction suggests that this variant may not impact protein structure and function (internally defined REVEL score threshold <= 0.5, PMID: 27666373). To our knowledge, functional studies have not been reported for this variant. This variant has not been reported in individuals affected with hereditary cancer in the literature. This variant has not been identified in the general population by the Genome Aggregation Database (gnomAD). The available evidence is insufficient to determine the role of this variant in disease conclusively. Therefore, this variant is classified as a Variant of Uncertain Significance.